The following is an entry in ClinVar:

ClinVar aggregate classification (germline): Uncertain significance. Review status: criteria provided, single submitter (1 of 4 stars). 2 submissions from 2 submitters: Uncertain significance (1). 1 of the submissions does not count toward it. Last evaluated 2022-11-18.

Conditions:
CHD3-related disorder. Also called: CHD3-related condition.
Inborn genetic diseases. Identifiers: MedGen C0950123, MeSH D030342.

Allele frequency attached by ClinVar (database versions not stated): TOPMed 0.00001; ExAC 0.00003; gnomAD 0.00003.
gnomAD v4.1: 17 of 1,535,794 alleles (0.0011%); highest among the groups gnomAD compares: East Asian, 0.019%; no homozygotes.

Submissions (2):

Ambry Genetics
Classification: Uncertain significance for Inborn genetic diseases. Last evaluated: 2022-11-18. Review status: criteria provided, single submitter. Criteria: Ambry Variant Classification Scheme 2023. Collection method: clinical testing. Allele origin: germline.

PreventionGenetics, part of Exact Sciences
Classification: Uncertain significance for CHD3-related condition. Last evaluated: 2024-03-23. Review status: no assertion criteria provided. Collection method: clinical testing. Allele origin: germline. Not counted in ClinVar's aggregate classification.
Comment: The CHD3 c.5171C>T variant is predicted to result in the amino acid substitution p.Pro1724Leu. To our knowledge, this variant has not been reported in the literature. This variant is reported in 0.0074% of alleles in individuals of East Asian descent in gnomAD, which is more common than expected for a primary cause of disease. Although we suspect that this variant may be benign, at this time, the clinical significance of this variant is uncertain due to the absence of conclusive functional and genetic evidence.

NM_001005273.3(CHD3):c.4994C>T (p.Pro1665Leu)

Gene: CHD3 (chromodomain helicase DNA binding protein 3; plus strand). Cytogenetic location: 17p13.1.
Variant type: single nucleotide variant.
Coding change: c.4994C>T on transcript NM_001005273.3 (MANE Select); coding-DNA position 4994, C replaced by T.
Protein change: p.Pro1665Leu; replaces proline 1665 with leucine.
Molecular consequence: missense variant. On other transcripts: intron variant (1).
Genome position (GRCh38, 1-based): chr17:7,907,670, C>T. VCF-style: chr17-7907670-C-T. GRCh37 (hg19) VCF-style: chr17-7810988-C-T.
Other names: c.5171C>T, p.Pro1724Leu (NM_001005271.3); c.4924+182C>T (NM_005852.4); short protein forms P1724L, P1665L.
Identifiers: ClinVar variation 2224393 (VCV002224393.3), dbSNP rs774001960, ClinGen allele CA8363541.